The following is an entry in ClinVar:

NM_001317778.2(SFTPC):c.209A>G (p.Glu70Gly)

Gene: SFTPC (surfactant protein C; plus strand). Cytogenetic location: 8p21.3.
Variant type: single nucleotide variant.
Coding change: c.209A>G on transcript NM_001317778.2 (MANE Select); coding-DNA position 209, A replaced by G.
Protein change: p.Glu70Gly; replaces glutamic acid 70 with glycine.
Molecular consequence: missense variant.
Genome position (GRCh38, 1-based): chr8:22,163,087, A>G. VCF-style: chr8-22163087-A-G. GRCh37 (hg19) VCF-style: chr8-22020600-A-G.
Other names: c.209A>G, p.Glu70Gly (NM_001172357.2, NM_001172410.2, NM_001317780.2 and 8 more transcripts); c.50A>G, p.Glu17Gly (NM_001317779.2, NM_001385660.1); short protein forms E17G, E70G.
Identifiers: ClinVar variation 3252531 (VCV003252531.1), dbSNP rs2538943124.

ClinVar aggregate classification (germline): Uncertain significance (1 of 4 stars; one submission).

Allele frequency attached by ClinVar (database versions not stated): gnomAD exomes below 0.00001.
gnomAD v4.1: 1 of 1,614,126 alleles (0.000062%); highest among the groups gnomAD compares: Non-Finnish European, 0.000085%; no homozygotes.

Submission:

GeneDx
Classification: Uncertain significance. Last evaluated: 2023-12-06. Review status: criteria provided, single submitter. Criteria: GeneDx Variant Classification Process June 2021. Collection method: clinical testing. Allele origin: germline. Affected: yes.
Comment: Not observed at significant frequency in large population cohorts (gnomAD); In silico analysis supports that this missense variant has a deleterious effect on protein structure/function; Has not been previously published as pathogenic or benign to our knowledge